The following is an entry in ClinVar:

ClinVar aggregate classification (germline): Uncertain significance (1 of 4 stars; one submission).

Conditions:
Familial hypobetalipoproteinemia 1. Also called: APOB-Related Familial Hypobetalipoproteinemia; Hypobetalipoproteinemia, normotriglyceridemic; Acanthocytosis with hypobetalipoproteinemia. Identifiers: MedGen C4551990, MONDO:0014252, OMIM 615558.
Hypercholesterolemia, autosomal dominant, type B (FHCL2). Also called: Familial Hypercholesterolemia Type B; APOLIPOPROTEIN B-100, FAMILIAL DEFECTIVE; APOLIPOPROTEIN B-100, FAMILIAL LIGAND-DEFECTIVE; HYPERCHOLESTEROLEMIA, FAMILIAL, DUE TO LIGAND-DEFECTIVE APOLIPOPROTEIN B; Hyperlipoproteinemia Type IIb; Familial hypercholesterolemia 2. Identifiers: MedGen C1704417, MONDO:0007751, OMIM 144010.

gnomAD v4.1: 1 of 1,598,098 alleles (0.000063%); highest among the groups gnomAD compares: South Asian, 0.0011%; no homozygotes.

Submission:

Labcorp Genetics (formerly Invitae), Labcorp
Classification: Uncertain significance for Familial hypobetalipoproteinemia 1; Hypercholesterolemia, autosomal dominant, type B. Last evaluated: 2024-02-24. Review status: criteria provided, single submitter. Criteria: Invitae Variant Classification Sherloc (09022015). Collection method: clinical testing. Allele origin: germline.
Comment: This sequence change replaces asparagine, which is neutral and polar, with serine, which is neutral and polar, at codon 4107 of the APOB protein (p.Asn4107Ser). This variant is not present in population databases (gnomAD no frequency). This variant has not been reported in the literature in individuals affected with APOB-related conditions. Advanced modeling of protein sequence and biophysical properties (such as structural, functional, and spatial information, amino acid conservation, physicochemical variation, residue mobility, and thermodynamic stability) performed at Invitae indicates that this missense variant is not expected to disrupt APOB protein function with a negative predictive value of 95%. In summary, the available evidence is currently insufficient to determine the role of this variant in disease. Therefore, it has been classified as a Variant of Uncertain Significance.

NM_000384.3(APOB):c.12320A>G (p.Asn4107Ser)

Gene: APOB (apolipoprotein B; minus strand). Cytogenetic location: 2p24.1.
Variant type: single nucleotide variant.
Coding change: c.12320A>G on transcript NM_000384.3 (MANE Select); coding-DNA position 12320, A replaced by G.
Protein change: p.Asn4107Ser; replaces asparagine 4107 with serine.
Molecular consequence: missense variant.
Genome position (GRCh38, 1-based): chr2:21,003,102, T>C on the plus strand (A>G on the coding strand, the complement: APOB is on the minus strand). VCF-style: chr2-21003102-T-C. GRCh37 (hg19) VCF-style: chr2-21225974-T-C.
Other names: short protein forms N4107S.
Identifiers: ClinVar variation 3750313 (VCV003750313.2).